The following is an entry in ClinVar:

ClinVar aggregate classification (germline): Uncertain significance. Review status: criteria provided, multiple submitters, no conflicts (2 of 4 stars). 3 submissions from 3 submitters: Uncertain significance (3). Last evaluated 2025-04-14.

Conditions:
Bethlem myopathy 1A. Also called: Bethlem Muscular Dystrophy; MYOPATHY, BENIGN CONGENITAL, WITH CONTRACTURES; Bethlem myopathy 1. Identifiers: Orphanet 610, MedGen CN029274, MONDO:0024530, OMIM 158810.
Bethlem myopathy 1C (BTHLM1C). Identifiers: MedGen C5935581, MONDO:0958234, OMIM 620726.
Ullrich congenital muscular dystrophy 1C (UCMD1C). Identifiers: MedGen C5935583, MONDO:0958236, OMIM 620728.
Dystonia 27 (DYT27). Identifiers: Orphanet 464440, MedGen C4225336, MONDO:0014627, OMIM 616411.

Allele frequency attached by ClinVar (database versions not stated): gnomAD 0.00001; gnomAD exomes 0.00001; TOPMed 0.00002.
gnomAD v4.1: 9 of 1,613,830 alleles (0.00056%); highest among the groups gnomAD compares: Admixed American, 0.0017%; no homozygotes.

Submissions (3):

Labcorp Genetics (formerly Invitae), Labcorp
Classification: Uncertain significance for Bethlem myopathy 1A. Last evaluated: 2025-04-14. Review status: criteria provided, single submitter. Criteria: Invitae Variant Classification Sherloc (09022015). Collection method: clinical testing. Allele origin: germline.
Comment: This sequence change falls in intron 3 of the COL6A3 gene. It does not directly change the encoded amino acid sequence of the COL6A3 protein. It affects a nucleotide within the consensus splice site. This variant is present in population databases (no rsID available, gnomAD 0.003%). This variant has been observed in individual(s) with clinical features of COL6A3-related conditions (internal data). ClinVar contains an entry for this variant (Variation ID: 949995). Variants that disrupt the consensus splice site are a relatively common cause of aberrant splicing (PMID: 17576681, 9536098). Algorithms developed to predict the effect of sequence changes on RNA splicing suggest that this variant may disrupt the consensus splice site. In summary, the available evidence is currently insufficient to determine the role of this variant in disease. Therefore, it has been classified as a Variant of Uncertain Significance.

Blueprint Genetics
Classification: Uncertain significance. Last evaluated: 2024-06-17. Review status: criteria provided, single submitter. Criteria: ACMG Guidelines, 2015. Collection method: clinical testing. Allele origin: germline.

Department of Pathology and Laboratory Medicine, Sinai Health System
Classification: Uncertain significance for Dystonia 27; Bethlem myopathy 1C; Ullrich congenital muscular dystrophy 1C. Last evaluated: 2023-01-27. Review status: criteria provided, single submitter. Criteria: ACMG Guidelines, 2015. Collection method: research. Allele origin: germline.

Literature cited by the submitters: PubMed 17576681 (cited by Labcorp Genetics (formerly Invitae), Labcorp); PubMed 9536098 (cited by Labcorp Genetics (formerly Invitae), Labcorp).

NM_004369.4(COL6A3):c.709+4A>G

Gene: COL6A3 (collagen type VI alpha 3 chain; minus strand). Cytogenetic location: 2q37.3.
Variant type: single nucleotide variant.
Coding change: c.709+4A>G on transcript NM_004369.4 (MANE Select); 4 bases into the intron after coding-DNA position 709, A replaced by G.
Molecular consequence: intron variant.
Genome position (GRCh38, 1-based): chr2:237,394,583, T>C on the plus strand (A>G on the coding strand, the complement: COL6A3 is on the minus strand). VCF-style: chr2-237394583-T-C. GRCh37 (hg19) VCF-style: chr2-238303226-T-C.
Other names: c.91+2144A>G (NM_057166.5, NM_057167.4, NM_057164.5 and 1 more transcripts).
Identifiers: ClinVar variation 949995 (VCV000949995.9), dbSNP rs1458579992, ClinGen allele CA540749897.
Genomic context (GRCh38, chr2:237,394,583, plus strand): 5'-CAGTTGCCAAGCTCATCTCCCAAGAACAGCAGGGCAGGGCGTAGCTTGGTGGCGTTGCCA[T>C]TACCTGTGATGTCTTTAAGGGTTTCCGTGTCCCCAGCCCTTTCTGGACTCACGGATGAAT-3'